The following is an entry in ClinVar:

NM_001963.6(EGF):c.1977C>T (p.Cys659=)

Gene: EGF (epidermal growth factor; plus strand). Cytogenetic location: 4q25.
Variant type: single nucleotide variant.
Coding change: c.1977C>T on transcript NM_001963.6 (MANE Select); coding-DNA position 1977, C replaced by T.
Protein change: p.Cys659=; no amino-acid change (cysteine 659 retained).
Molecular consequence: synonymous variant.
Genome position (GRCh38, 1-based): chr4:109,976,159, C>T. VCF-style: chr4-109976159-C-T. GRCh37 (hg19) VCF-style: chr4-110897315-C-T.
Other names: p.Cys659=; c.1977C>T, p.Cys659= (NM_001178130.3); c.1851C>T, p.Cys617= (NM_001178131.3, NM_001357021.2).
Identifiers: ClinVar variation 347241 (VCV000347241.16), dbSNP rs11568993, ClinGen allele CA3043842.
Genomic context (GRCh38, chr4:109,976,159, plus strand): 5'-TGATCTAATCTGGCCCAGTGGAATAACGATTGACTTCTTAACTGACAAGTTGTACTGGTG[C>T]GATGCCAAGCAGTCTGTGATTGAAATGGCCAATCTGGATGGTTCAAAACGCCGAAGACTT-3'
Protein context (NP_001954.2, residues 649-669): IDFLTDKLYW[Cys659=]DAKQSVIEMA

ClinVar aggregate classification (germline): Benign. Review status: criteria provided, multiple submitters, no conflicts (2 of 4 stars). 5 submissions from 5 submitters: Benign (5). Last evaluated 2026-02-02.

Conditions:
Renal hypomagnesemia 4. Also called: HYPOMAGNESEMIA, RENAL, NORMOCALCIURIC. Identifiers: Orphanet 34527, MedGen C2673648, MONDO:0012717, OMIM 611718.

Allele frequency attached by ClinVar (database versions not stated): 1000 Genomes Project 0.03195; 1000 Genomes Project 30x 0.03326; gnomAD 0.05278 and 0.05347; TOPMed 0.05325; ExAC 0.05450; gnomAD exomes 0.05627; ESP Exome Variant Server 0.05874.
gnomAD v4.1: 115,299 of 1,614,006 alleles (7.1%); highest among the groups gnomAD compares: Middle Eastern, 8.7%; 4,842 homozygotes.

Submissions (5):

Labcorp Genetics (formerly Invitae), Labcorp
Classification: Benign. Last evaluated: 2026-02-02. Review status: criteria provided, single submitter. Criteria: Invitae Variant Classification Sherloc (09022015). Collection method: clinical testing. Allele origin: germline.

Mayo Clinic Laboratories, Mayo Clinic
Classification: Benign. Last evaluated: 2022-03-09. Review status: criteria provided, single submitter. Criteria: ACMG Guidelines, 2015. Collection method: clinical testing. Allele origin: germline. Observed: 30 variant alleles.

GeneDx
Classification: Benign. Last evaluated: 2019-11-26. Review status: criteria provided, single submitter. Criteria: GeneDx Variant Classification Process June 2021. Collection method: clinical testing. Allele origin: germline. Affected: yes.

Illumina Laboratory Services, Illumina
Classification: Benign for Renal hypomagnesemia 4. Last evaluated: 2018-01-13. Review status: criteria provided, single submitter. Criteria: ICSL Variant Classification Criteria 13 December 2019. Collection method: clinical testing. Allele origin: germline.
Comment: This variant was observed in the ICSL laboratory as part of a predisposition screen in an ostensibly healthy population. It had not been previously curated by ICSL or reported in the Human Gene Mutation Database (HGMD: prior to June 1st, 2018), and was therefore a candidate for classification through an automated scoring system. Utilizing variant allele frequency, disease prevalence and penetrance estimates, and inheritance mode, an automated score was calculated to assess if this variant is too frequent to cause the disease. Based on the score and internal cut-off values, a variant classified as benign is not then subjected to further curation. The score for this variant resulted in a classification of benign for this disease.

Breakthrough Genomics
Classification: Benign. Review status: criteria provided, single submitter. Criteria: ACMG Guidelines, 2015. Collection method: not provided. Allele origin: germline. Inheritance: Autosomal recessive inheritance. Affected: yes.